The following is an entry in ClinVar:

ClinVar aggregate classification (germline): Uncertain significance (1 of 4 stars; one submission).

Conditions:
Hereditary cancer-predisposing syndrome. Also called: Neoplastic Syndromes, Hereditary; Tumor predisposition; Hereditary neoplastic syndrome; Hereditary Cancer Syndrome. Identifiers: Orphanet 140162, MedGen C0027672, MeSH D009386, MONDO:0015356.
Cardiovascular phenotype. Identifiers: MedGen CN230736.

Submission:

Ambry Genetics
Classification: Uncertain significance for Cardiovascular phenotype; Hereditary cancer-predisposing syndrome. Last evaluated: 2022-12-31. Review status: criteria provided, single submitter. Criteria: Ambry Variant Classification Scheme 2023. Collection method: clinical testing. Allele origin: germline.
Comment: The p.A1722G variant (also known as c.5165C>G), located in coding exon 36 of the NF1 gene, results from a C to G substitution at nucleotide position 5165. The alanine at codon 1722 is replaced by glycine, an amino acid with similar properties. This amino acid position is conserved. In addition, this alteration is predicted to be tolerated by in silico analysis. Since supporting evidence is limited at this time, the clinical significance of this alteration remains unclear.

NM_001042492.3(NF1):c.5228C>G (p.Ala1743Gly)

Gene: NF1 (neurofibromin 1; plus strand). Cytogenetic location: 17q11.2.
Variant type: single nucleotide variant.
Coding change: c.5228C>G on transcript NM_001042492.3 (MANE Select); coding-DNA position 5228, C replaced by G.
Protein change: p.Ala1743Gly; replaces alanine 1743 with glycine.
Molecular consequence: missense variant.
Genome position (GRCh38, 1-based): chr17:31,326,212, C>G. VCF-style: chr17-31326212-C-G. GRCh37 (hg19) VCF-style: chr17-29653230-C-G.
Other names: c.5165C>G, p.Ala1722Gly (NM_000267.4); short protein forms A1743G, A1722G.
Identifiers: ClinVar variation 2452252 (VCV002452252.2), dbSNP rs2151538964, ClinGen allele CA399008238.